The following is an entry in ClinVar:

ClinVar aggregate classification (germline): Benign (0 of 4 stars; one submission).

Conditions:
ATAD5-related disorder. Also called: ATAD5-related condition.

Allele frequency attached by ClinVar (database versions not stated): ESP Exome Variant Server 0.12929; gnomAD 0.13669; ExAC 0.14228; TOPMed 0.14232; 1000 Genomes Project 0.18011; 1000 Genomes Project 30x 0.18285.
gnomAD v4.1: 196,478 of 1,613,956 alleles (12%); highest among the groups gnomAD compares: South Asian, 24%; 13,622 homozygotes.

Submission:

PreventionGenetics, part of Exact Sciences
Classification: Benign for ATAD5-related condition. Last evaluated: 2019-10-18. Review status: no assertion criteria provided. Collection method: clinical testing. Allele origin: germline.
Comment: This variant is classified as benign based on ACMG/AMP sequence variant interpretation guidelines (Richards et al. 2015 PMID: 25741868, with internal and published modifications).

NM_024857.5(ATAD5):c.1074T>C (p.Pro358=)

Gene: ATAD5 (ATPase family AAA domain containing 5; plus strand). Cytogenetic location: 17q11.2.
Variant type: single nucleotide variant.
Coding change: c.1074T>C on transcript NM_024857.5 (MANE Select); coding-DNA position 1074, T replaced by C.
Protein change: p.Pro358=; no amino-acid change (proline 358 retained).
Molecular consequence: synonymous variant.
Genome position (GRCh38, 1-based): chr17:30,835,155, T>C. VCF-style: chr17-30835155-T-C. GRCh37 (hg19) VCF-style: chr17-29162173-T-C.
Identifiers: ClinVar variation 3059933 (VCV003059933.2), dbSNP rs11655623, ClinGen allele CA8483587.